The following is an entry in ClinVar:

ClinVar aggregate classification (germline): Pathogenic (1 of 4 stars; one submission).

Submission:

Labcorp Genetics (formerly Invitae), Labcorp
Classification: Pathogenic. Last evaluated: 2023-11-08. Review status: criteria provided, single submitter. Criteria: Invitae Variant Classification Sherloc (09022015). Collection method: clinical testing. Allele origin: germline.
Comment: This sequence change creates a premature translational stop signal (p.His305Metfs*48) in the SLC1A4 gene. It is expected to result in an absent or disrupted protein product. Loss-of-function variants in SLC1A4 are known to be pathogenic (PMID: 26041762, 27848944, 30125339). This variant is not present in population databases (gnomAD no frequency). This variant has not been reported in the literature in individuals affected with SLC1A4-related conditions. For these reasons, this variant has been classified as Pathogenic.

Literature cited by the submitters: PubMed 26041762; PubMed 27848944; PubMed 30125339.

NM_003038.5(SLC1A4):c.913del (p.His305fs)

Gene: SLC1A4 (solute carrier family 1 member 4; plus strand). Cytogenetic location: 2p14.
Variant type: Deletion.
Coding change: c.913del on transcript NM_003038.5 (MANE Select); coding-DNA position 913, one base deleted (C; older notation c.913delC).
Protein change: p.His305fs; shifts the reading frame from histidine 305.
Molecular consequence: frameshift variant. On other transcripts: intron variant (1).
Genome position (GRCh38, 1-based): chr2:65,016,552, C deleted; the last of 2 consecutive C bases (chr2:65,016,551-65,016,552); deleting either gives the same sequence. VCF-style (leftmost placement, unchanged base first): chr2-65016550-GC-G. GRCh37 (hg19) VCF-style: chr2-65243684-GC-G.
Other names: c.253del, p.His85fs (NM_001348406.2, NM_001348407.2); c.141-1519del (NM_001193493.2); short protein forms H305fs, H85fs.
Identifiers: ClinVar variation 2790726 (VCV002790726.3), dbSNP rs2528576268, ClinGen allele CA2739274490.